The following is an entry in ClinVar:

NM_001042492.3(NF1):c.4595G>A (p.Gly1532Glu)

Gene: NF1 (neurofibromin 1; plus strand). Cytogenetic location: 17q11.2.
Variant type: single nucleotide variant.
Coding change: c.4595G>A on transcript NM_001042492.3 (MANE Select); coding-DNA position 4595, G replaced by A.
Protein change: p.Gly1532Glu; replaces glycine 1532 with glutamic acid.
Molecular consequence: missense variant.
Genome position (GRCh38, 1-based): chr17:31,261,728, G>A. VCF-style: chr17-31261728-G-A. GRCh37 (hg19) VCF-style: chr17-29588746-G-A.
Other names: c.4532G>A, p.Gly1511Glu (NM_000267.4); short protein forms G1532E, G1511E.
Identifiers: ClinVar variation 2007715 (VCV002007715.4), dbSNP rs2151466230, ClinGen allele CA399000153.

ClinVar aggregate classification (germline): Uncertain significance (1 of 4 stars; one submission).

Conditions:
Neurofibromatosis, type 1 (NF1). Also called: Neurofibromatosis, type I; Peripheral type neurofibromatosis; VON RECKLINGHAUSEN DISEASE; NEUROFIBROMATOSIS, TYPE I, SOMATIC. Identifiers: Orphanet 636, MedGen C0027831, MONDO:0018975, OMIM 162200. Disease mechanism: loss of function.

Submission:

Labcorp Genetics (formerly Invitae), Labcorp
Classification: Uncertain significance for Neurofibromatosis, type 1. Last evaluated: 2022-06-17. Review status: criteria provided, single submitter. Criteria: Invitae Variant Classification Sherloc (09022015). Collection method: clinical testing. Allele origin: germline.
Comment: This variant has not been reported in the literature in individuals affected with NF1-related conditions. This variant is not present in population databases (gnomAD no frequency). This sequence change replaces glycine, which is neutral and non-polar, with glutamic acid, which is acidic and polar, at codon 1511 of the NF1 protein (p.Gly1511Glu). In summary, the available evidence is currently insufficient to determine the role of this variant in disease. Therefore, it has been classified as a Variant of Uncertain Significance. Advanced modeling of protein sequence and biophysical properties (such as structural, functional, and spatial information, amino acid conservation, physicochemical variation, residue mobility, and thermodynamic stability) performed at Invitae indicates that this missense variant is expected to disrupt NF1 protein function.